The following is an entry in ClinVar:

NM_022124.6(CDH23):c.1205C>T (p.Pro402Leu)

Gene: CDH23 (cadherin related 23; plus strand). Cytogenetic location: 10q22.1.
Variant type: single nucleotide variant.
Coding change: c.1205C>T on transcript NM_022124.6 (MANE Select); coding-DNA position 1205, C replaced by T.
Protein change: p.Pro402Leu; replaces proline 402 with leucine.
Molecular consequence: missense variant.
Genome position (GRCh38, 1-based): chr10:71,645,895, C>T. VCF-style: chr10-71645895-C-T. GRCh37 (hg19) VCF-style: chr10-73405652-C-T.
Other names: c.1205C>T, p.Pro402Leu (NM_001171930.2, NM_001171931.2, NM_052836.4); short protein forms P402L.
Identifiers: ClinVar variation 666803 (VCV000666803.9), dbSNP rs373168635, ClinGen allele CA5543730.

ClinVar aggregate classification (germline): Uncertain significance. Review status: criteria provided, multiple submitters, no conflicts (2 of 4 stars). 5 submissions from 5 submitters: Uncertain significance (4). 1 of the submissions does not count toward it. Last evaluated 2024-04-29.

Conditions:
Usher syndrome type 1 (USH1). Also called: RETINITIS PIGMENTOSA AND CONGENITAL DEAFNESS. Identifiers: Orphanet 231169, Orphanet 886, MedGen C1568247, MONDO:0010168, OMIM 276900.
Pituitary adenoma 5, multiple types. Identifiers: MedGen C4539685, MONDO:0054601, OMIM 617540.

Allele frequency attached by ClinVar (database versions not stated): TOPMed 0.00004; gnomAD 0.00008 and 0.00009; ESP Exome Variant Server 0.00016.
gnomAD v4.1: 24 of 1,613,520 alleles (0.0015%); highest among the groups gnomAD compares: African/African-American, 0.013%; no homozygotes.

Submissions (5):

Blueprint Genetics
Classification: Uncertain significance. Last evaluated: 2024-04-29. Review status: criteria provided, single submitter. Criteria: ACMG Guidelines, 2015. Collection method: clinical testing. Allele origin: germline.

Baylor Genetics
Classification: Uncertain significance for Pituitary adenoma 5, multiple types. Last evaluated: 2023-11-19. Review status: criteria provided, single submitter. Criteria: ACMG Guidelines, 2015. Collection method: clinical testing. Allele origin: unknown.

GeneDx
Classification: Uncertain significance. Last evaluated: 2023-05-31. Review status: criteria provided, single submitter. Criteria: GeneDx Variant Classification Process June 2021. Collection method: clinical testing. Allele origin: germline. Affected: yes.
Comment: Reported with a second variant (phase unknown) in unrelated patients with hearing loss in published literature (Kim et al., 2016; Zou et al., 2020); at least one of these patients was known to have post-lingual onset hearing loss; In silico analysis supports that this missense variant has a deleterious effect on protein structure/function; This variant is associated with the following publications: (PMID: 31486067, 27792758)

Laboratory for Molecular Medicine, Mass General Brigham Personalized Medicine
Classification: Uncertain significance. Last evaluated: 2019-01-17. Review status: criteria provided, single submitter. Criteria: LMM Criteria. Collection method: clinical testing. Allele origin: germline. Observed: 1 variant allele.
Comment: The p.Pro402Leu variant in CDH23 has been previously reported in an individual w ith hearing loss who also harbored a second variant in CDH23 in trans with this variant (Kim 2016). This variant has been identified in 0.017% (4/24172) of Afri can chromosomes by gnomAD. Computational pre diction tools and conservation analysis suggest that this variant may impact the protein, though this information is not predictive enough to determine pathogen icity. In summary, the clinical significance of this variant is uncertain. ACMG/ AMP criteria applied: PM2, PP3, PM3_Supporting.

Natera, Inc.
Classification: Uncertain significance for Usher syndrome type 1. Last evaluated: 2020-09-16. Review status: no assertion criteria provided. Collection method: clinical testing. Allele origin: germline. Not counted in ClinVar's aggregate classification.

Literature cited by the submitters: PubMed 27792758 (cited by Laboratory for Molecular Medicine, Mass General Brigham Personalized Medicine).